The following is an entry in ClinVar:

ClinVar aggregate classification (germline): Benign. Review status: criteria provided, multiple submitters, no conflicts (2 of 4 stars). 8 submissions from 8 submitters: Benign (7). 1 of the submissions does not count toward it. Last evaluated 2026-02-01.

Conditions:
Holoprosencephaly 3 (HPE3). Identifiers: Orphanet 2162, MedGen C1840529, MONDO:0007733, OMIM 142945.

Allele frequency attached by ClinVar (database versions not stated): gnomAD exomes 0.00263; ExAC 0.00321; 1000 Genomes Project 0.01058; gnomAD 0.01071 and 0.01171; 1000 Genomes Project 30x 0.01077; TOPMed 0.01169; ESP Exome Variant Server 0.01289.
gnomAD v4.1: 3,294 of 1,597,626 alleles (0.21%); highest among the groups gnomAD compares: African/African-American, 3.9%; 68 homozygotes.

Submissions (8):

Labcorp Genetics (formerly Invitae), Labcorp
Classification: Benign for Holoprosencephaly 3. Last evaluated: 2026-02-01. Review status: criteria provided, single submitter. Criteria: Invitae Variant Classification Sherloc (09022015). Collection method: clinical testing. Allele origin: germline.

CeGaT Center for Human Genetics Tuebingen
Classification: Benign. Last evaluated: 2026-01-01. Review status: criteria provided, single submitter. Criteria: CeGaT Center For Human Genetics Tuebingen Variant Classification Criteria Version 2. Collection method: clinical testing. Allele origin: germline. Affected: yes. Observed: 4 variant alleles.
Comment: SHH: BP4, BP7, BS1, BS2

Athena Diagnostics
Classification: Benign. Last evaluated: 2024-06-06. Review status: criteria provided, single submitter. Criteria: Athena Diagnostics Criteria. Collection method: clinical testing. Allele origin: unknown.

ARUP Laboratories, Molecular Genetics and Genomics, ARUP Laboratories
Classification: Benign. Last evaluated: 2023-09-22. Review status: criteria provided, single submitter. Criteria: ARUP Molecular Germline Variant Investigation Process 2024. Collection method: clinical testing. Allele origin: germline.

GeneDx
Classification: Benign. Last evaluated: 2015-03-03. Review status: criteria provided, single submitter. Criteria: GeneDx Variant Classification Process June 2021. Collection method: clinical testing. Allele origin: germline. Affected: yes.
Comment: This variant is associated with the following publications: (PMID: 32542401)

Eurofins Ntd Llc (ga)
Classification: Benign. Last evaluated: 2014-07-04. Review status: criteria provided, single submitter. Criteria: EGL Classification Definitions 2015. Collection method: clinical testing. Allele origin: germline. Observed: 1 variant allele, 1 heterozygote.

Breakthrough Genomics
Classification: Benign. Review status: criteria provided, single submitter. Criteria: ACMG Guidelines, 2015. Collection method: not provided. Allele origin: germline. Inheritance: Autosomal dominant inheritance. Affected: yes.

GeneReviews
Classification: Benign for Holoprosencephaly. Last evaluated: 2013-08-29. Review status: no assertion criteria provided. Collection method: curation. Allele origin: unknown. Not counted in ClinVar's aggregate classification.
ClinVar note: Converted during submission from non-pathogenic to Benign.

Literature cited by the submitters: PubMed 32542401 (cited by Athena Diagnostics); PubMed 34421500 (cited by Athena Diagnostics).

NM_000193.4(SHH):c.630C>T (p.Gly210=)

Gene: SHH (sonic hedgehog signaling molecule; minus strand). Cytogenetic location: 7q36.3.
Variant type: single nucleotide variant.
Coding change: c.630C>T on transcript NM_000193.4 (MANE Select); coding-DNA position 630, C replaced by T.
Protein change: p.Gly210=; no amino-acid change (glycine 210 retained).
Molecular consequence: synonymous variant. On other transcripts: intron variant (1).
Genome position (GRCh38, 1-based): chr7:155,803,659, G>A on the plus strand (C>T on the coding strand, the complement: SHH is on the minus strand). VCF-style: chr7-155803659-G-A. GRCh37 (hg19) VCF-style: chr7-155596353-G-A.
Other names: c.630C>T; c.301+2637C>T (NM_001310462.2).
Identifiers: ClinVar variation 65884 (VCV000065884.52), dbSNP rs9333634, ClinGen allele CA202228.
Genomic context (GRCh38, chr7:155,803,659, plus strand): 5'-CTGGTCGTCCGCCGCCAGCACGCGGTCCCCGGGGCTCAGGTCCTTCACCAGCTTGGTGCC[G>A]CCCTGCTCCAGGTGCACCGTGGCCGAGCCCGGGAAGCAGCCTCCCGATTTGGCCGCCACC-3'
Protein context (NP_000184.1, residues 200-220): PGSATVHLEQ[Gly210=]GTKLVKDLSP